The following is an entry in ClinVar:

NM_005477.3(HCN4):c.975G>T (p.Glu325Asp)

Genes: HCN4 (hyperpolarization activated cyclic nucleotide gated potassium channel 4; minus strand), LOC105370890 (uncharacterized LOC105370890; plus strand), LOC126862173 (CDK7 strongly-dependent group 2 enhancer GRCh37_chr15:73635762-73636961; plus strand). Cytogenetic location: 15q24.1.
Variant type: single nucleotide variant.
Coding change: c.975G>T on transcript NM_005477.3 (MANE Select); coding-DNA position 975, G replaced by T.
Protein change: p.Glu325Asp; replaces glutamic acid 325 with aspartic acid.
Molecular consequence: missense variant.
Genome position (GRCh38, 1-based): chr15:73,343,619, C>A on the plus strand (G>T on the coding strand, the complement: HCN4 is on the minus strand). VCF-style: chr15-73343619-C-A. GRCh37 (hg19) VCF-style: chr15-73635960-C-A.
Other names: short protein forms E325D.
Identifiers: ClinVar variation 1007056 (VCV001007056.8), dbSNP rs778657724, ClinGen allele CA7649390.
Genomic context (GRCh38, chr15:73,343,619, plus strand): 5'-ATCTACCATGAACCAGCTTTTCAGGTACTTCATTTTAATCCGCTGCGGGTCCAGGATGAT[C>A]TCTGTGTTGTCCTCCACCACGATCCCTGTGCGGAAGTTGAGGACCAAGTCGATGAGGAAG-3'
Protein context (NP_005468.1, residues 315-335): RTGIVVEDNT[Glu325Asp]IILDPQRIKM

ClinVar aggregate classification (germline): Uncertain significance. Review status: criteria provided, multiple submitters, no conflicts (2 of 4 stars). 3 submissions from 3 submitters: Uncertain significance (3). Last evaluated 2025-08-26.

Conditions:
Brugada syndrome 8 (BRGDA8). Identifiers: Orphanet 130, MedGen C2751083, MONDO:0013148, OMIM 613123.
Cardiovascular phenotype. Identifiers: MedGen CN230736.

Allele frequency attached by ClinVar (database versions not stated): ExAC 0.00001; gnomAD exomes 0.00001.

Submissions (3):

Labcorp Genetics (formerly Invitae), Labcorp
Classification: Uncertain significance for Brugada syndrome 8. Last evaluated: 2025-08-26. Review status: criteria provided, single submitter. Criteria: Invitae Variant Classification Sherloc (09022015). Collection method: clinical testing. Allele origin: germline.
Comment: This sequence change replaces glutamic acid, which is acidic and polar, with aspartic acid, which is acidic and polar, at codon 325 of the HCN4 protein (p.Glu325Asp). This variant is present in population databases (rs778657724, gnomAD 0.01%). This variant has not been reported in the literature in individuals affected with HCN4-related conditions. ClinVar contains an entry for this variant (Variation ID: 1007056). Invitae Evidence Modeling of protein sequence and biophysical properties (such as structural, functional, and spatial information, amino acid conservation, physicochemical variation, residue mobility, and thermodynamic stability) indicates that this missense variant is not expected to disrupt HCN4 protein function with a negative predictive value of 95%. In summary, the available evidence is currently insufficient to determine the role of this variant in disease. Therefore, it has been classified as a Variant of Uncertain Significance.

Clinical Genetics Laboratory, Skane University Hospital Lund
Classification: Uncertain significance. Last evaluated: 2023-05-04. Review status: criteria provided, single submitter. Criteria: ACMG Guidelines, 2015. Collection method: clinical testing. Allele origin: germline. Affected: yes.

Ambry Genetics
Classification: Uncertain significance for Cardiovascular phenotype. Last evaluated: 2022-06-19. Review status: criteria provided, single submitter. Criteria: Ambry Variant Classification Scheme 2023. Collection method: clinical testing. Allele origin: germline.
Comment: The p.E325D variant (also known as c.975G>T), located in coding exon 2 of the HCN4 gene, results from a G to T substitution at nucleotide position 975. The glutamic acid at codon 325 is replaced by aspartic acid, an amino acid with highly similar properties. This amino acid position is conserved. In addition, the in silico prediction for this alteration is inconclusive. Since supporting evidence is limited at this time, the clinical significance of this alteration remains unclear.